The following is an entry in ClinVar:

NM_001378120.1(MBD5):c.4087A>G (p.Ile1363Val)

Gene: MBD5 (methyl-CpG binding domain protein 5; plus strand). Cytogenetic location: 2q23.1.
Variant type: single nucleotide variant.
Coding change: c.4087A>G on transcript NM_001378120.1 (MANE Select); coding-DNA position 4087, A replaced by G.
Protein change: p.Ile1363Val; replaces isoleucine 1363 with valine.
Molecular consequence: missense variant.
Genome position (GRCh38, 1-based): chr2:148,489,719, A>G. VCF-style: chr2-148489719-A-G. GRCh37 (hg19) VCF-style: chr2-149247288-A-G.
Other names: c.3388A>G, p.Ile1130Val (NM_018328.5); short protein forms I1363V, I1130V.
Identifiers: ClinVar variation 2915080 (VCV002915080.3), dbSNP rs138376217, ClinGen allele CA348727994.
Genomic context (GRCh38, chr2:148,489,719, plus strand): 5'-AGTACAACTCAGATCAGCCCCATTCCAGCTCTGAGTGCCATGAGTGCCTTCACTGCCTCA[A>G]TTGGTGACCCATTAAATCTCTCCAGTGCTGTCAGTGCGGTCATTCATGGACGGAACATGG-3'
Protein context (NP_001365049.1, residues 1353-1373): LSAMSAFTAS[Ile1363Val]GDPLNLSSAV

ClinVar aggregate classification (germline): Uncertain significance (1 of 4 stars; one submission).

Conditions:
Intellectual developmental disorder, autosomal dominant 1. Also called: MBD5 Haploinsufficiency; Intellectual disability, autosomal dominant 1. Identifiers: Orphanet 228402, MedGen C1969562, MONDO:0007974, OMIM 156200.

gnomAD v4.1: 11 of 1,614,212 alleles (0.00068%); highest among the groups gnomAD compares: East Asian, 0.0022%; no homozygotes.

Submission:

Labcorp Genetics (formerly Invitae), Labcorp
Classification: Uncertain significance for Intellectual developmental disorder, autosomal dominant 1. Last evaluated: 2023-10-03. Review status: criteria provided, single submitter. Criteria: Invitae Variant Classification Sherloc (09022015). Collection method: clinical testing. Allele origin: germline.
Comment: This sequence change replaces isoleucine, which is neutral and non-polar, with valine, which is neutral and non-polar, at codon 1130 of the MBD5 protein (p.Ile1130Val). This variant is present in population databases (no rsID available, gnomAD 0.01%). This variant has not been reported in the literature in individuals affected with MBD5-related conditions. Experimental studies and prediction algorithms are not available or were not evaluated, and the functional significance of this variant is currently unknown. In summary, the available evidence is currently insufficient to determine the role of this variant in disease. Therefore, it has been classified as a Variant of Uncertain Significance.